The following is an entry in ClinVar:

ClinVar aggregate classification (germline): Uncertain significance (1 of 4 stars; one submission).

gnomAD v4.1: 2 of 1,609,712 alleles (0.00012%); highest among the groups gnomAD compares: Admixed American, 0.0034%; no homozygotes.

Submission:

Dasa
Classification: Uncertain significance. Last evaluated: 2025-07-17. Review status: criteria provided, single submitter. Criteria: DASA Assertion Criteria. Collection method: clinical testing. Allele origin: germline.
Comment: NM_006766.5(KAT6A):c.5985G>C (p.Gln1995His) is a missense variant that results in the substitution of glutamine with histidine. This variant is rare in population databases. Computational prediction algorithms are consistent with a benign effect. The currently available literature and clinical evidence are not sufficient to establish a definitive association between this variant and the reported condition. Therefore, this variant is classified as a variant of uncertain significance.

NM_006766.5(KAT6A):c.5985G>C (p.Gln1995His)

Gene: KAT6A (lysine acetyltransferase 6A; minus strand). Cytogenetic location: 8p11.21.
Variant type: single nucleotide variant.
Coding change: c.5985G>C on transcript NM_006766.5 (MANE Select); coding-DNA position 5985, G replaced by C.
Protein change: p.Gln1995His; replaces glutamine 1995 with histidine.
Molecular consequence: missense variant.
Genome position (GRCh38, 1-based): chr8:41,932,235, C>G on the plus strand (G>C on the coding strand, the complement: KAT6A is on the minus strand). VCF-style: chr8-41932235-C-G. GRCh37 (hg19) VCF-style: chr8-41789753-C-G.
Other names: short protein forms Q1995H.
Identifiers: ClinVar variation 4885076 (VCV004885076.2).